The following is an entry in ClinVar:

ClinVar aggregate classification (germline): Uncertain significance (1 of 4 stars; one submission).

Conditions:
Neurofibromatosis, type 2 (SWNV). Also called: BILATERAL ACOUSTIC NEUROFIBROMATOSIS; NF2-Related Schwannomatosis; SCHWANNOMATOSIS, VESTIBULAR. Identifiers: Orphanet 637, MedGen C0027832, MONDO:0007039, OMIM 101000. Disease mechanism: loss of function.

Submission:

Labcorp Genetics (formerly Invitae), Labcorp
Classification: Uncertain significance for Neurofibromatosis, type 2. Last evaluated: 2021-10-07. Review status: criteria provided, single submitter. Criteria: Invitae Variant Classification Sherloc (09022015). Collection method: clinical testing. Allele origin: germline.
Comment: In summary, the available evidence is currently insufficient to determine the role of this variant in disease. Therefore, it has been classified as a Variant of Uncertain Significance. Algorithms developed to predict the effect of missense changes on protein structure and function are either unavailable or do not agree on the potential impact of this missense change (SIFT: "Tolerated"; PolyPhen-2: "Probably Damaging"; Align-GVGD: "Class C0"). This variant has not been reported in the literature in individuals affected with NF2-related conditions. This variant is not present in population databases (ExAC no frequency). This sequence change replaces glutamine with histidine at codon 125 of the NF2 protein (p.Gln125His). The glutamine residue is moderately conserved and there is a small physicochemical difference between glutamine and histidine.

NM_000268.4(NF2):c.375G>T (p.Gln125His)

Gene: NF2 (NF2, moesin-ezrin-radixin like (MERLIN) tumor suppressor; plus strand). Cytogenetic location: 22q12.2.
Variant type: single nucleotide variant.
Coding change: c.375G>T on transcript NM_000268.4 (MANE Select); coding-DNA position 375, G replaced by T.
Protein change: p.Gln125His; replaces glutamine 125 with histidine.
Molecular consequence: missense variant. On other transcripts: non-coding transcript variant (1).
Genome position (GRCh38, 1-based): chr22:29,642,213, G>T. VCF-style: chr22-29642213-G-T. GRCh37 (hg19) VCF-style: chr22-30038202-G-T.
Other names: c.375G>T, p.Gln125His (NM_016418.5, NM_181825.3, NM_181832.3 and 1 more transcripts); c.249G>T, p.Gln83His (NM_181828.3); c.252G>T, p.Gln84His (NM_181829.3); c.126G>T, p.Gln42His (NM_181830.3, NM_181831.3); short protein forms Q125H, Q83H, Q84H, Q42H.
Identifiers: ClinVar variation 1384506 (VCV001384506.6), dbSNP rs2065829948, ClinGen allele CA411153737.